The following is an entry in ClinVar:

ClinVar aggregate classification (germline): Pathogenic/Likely pathogenic. Review status: criteria provided, multiple submitters, no conflicts (2 of 4 stars). 2 submissions from 2 submitters: Pathogenic (1); Likely pathogenic (1). Last evaluated 2025-01-31.

Submissions (2):

GeneDx
Classification: Likely pathogenic. Last evaluated: 2025-01-31. Review status: criteria provided, single submitter. Criteria: GeneDx Variant Classification Process June 2021. Collection method: clinical testing. Allele origin: germline. Affected: yes.
Comment: Nonsense variant predicted to result in protein truncation or nonsense mediated decay in a gene for which loss of function is a known mechanism of disease; Not observed at significant frequency in large population cohorts (gnomAD); This variant is associated with the following publications: (PMID: 25525159, 19319978)

Labcorp Genetics (formerly Invitae), Labcorp
Classification: Pathogenic. Last evaluated: 2021-03-01. Review status: criteria provided, single submitter. Criteria: Invitae Variant Classification Sherloc (09022015). Collection method: clinical testing. Allele origin: germline.
Comment: This variant has been observed in individual(s) with optic neuropathy (PMID: 19319978). This variant is not present in population databases (ExAC no frequency). This sequence change creates a premature translational stop signal (p.Gln483*) in the OPA1 gene. It is expected to result in an absent or disrupted protein product. Loss-of-function variants in OPA1 are known to be pathogenic (PMID: 11440988, 20157015, 20952381, 25012220). For these reasons, this variant has been classified as Pathogenic.

Literature cited by the submitters: PubMed 19319978 (cited by Labcorp Genetics (formerly Invitae), Labcorp); PubMed 11440988 (cited by Labcorp Genetics (formerly Invitae), Labcorp); PubMed 20157015 (cited by Labcorp Genetics (formerly Invitae), Labcorp); PubMed 20952381 (cited by Labcorp Genetics (formerly Invitae), Labcorp); PubMed 25012220 (cited by Labcorp Genetics (formerly Invitae), Labcorp).

NM_130837.3(OPA1):c.1612C>T (p.Gln538Ter)

Gene: OPA1 (OPA1 mitochondrial dynamin like GTPase; plus strand). Cytogenetic location: 3q29.
Variant type: single nucleotide variant.
Coding change: c.1612C>T on transcript NM_130837.3 (MANE Select); coding-DNA position 1612, C replaced by T.
Protein change: p.Gln538Ter; replaces glutamine 538 with a stop codon.
Molecular consequence: nonsense.
Genome position (GRCh38, 1-based): chr3:193,645,556, C>T. VCF-style: chr3-193645556-C-T. GRCh37 (hg19) VCF-style: chr3-193363345-C-T.
Other names: c.1447C>T (NM_015560.2); c.1078C>T, p.Gln360Ter (NM_001354663.2); c.1075C>T, p.Gln359Ter (NM_001354664.2); c.1447C>T, p.Gln483Ter (NM_015560.3); c.1339C>T, p.Gln447Ter (NM_130831.3); c.1393C>T, p.Gln465Ter (NM_130832.3); c.1450C>T, p.Gln484Ter (NM_130833.3); c.1501C>T, p.Gln501Ter (NM_130834.3); and 2 more; short protein forms Q360*, Q538*, Q465*, Q483*, Q484*, Q359*, Q447*, Q501*.
Identifiers: ClinVar variation 1456318 (VCV001456318.9), dbSNP rs2109057450, ClinGen allele CA355789995.